The following is an entry in ClinVar:

ClinVar aggregate classification (germline): Likely benign (0 of 4 stars; one submission).

Conditions:
PKHD1-related disorder. Also called: PKHD1-related condition.

Allele frequency attached by ClinVar (database versions not stated): gnomAD 0.00003; ExAC 0.00004; TOPMed 0.00004; gnomAD exomes 0.00010.
gnomAD v4.1: 154 of 1,611,814 alleles (0.0096%); highest among the groups gnomAD compares: Non-Finnish European, 0.012%; no homozygotes.

Submission:

PreventionGenetics, part of Exact Sciences
Classification: Likely benign for PKHD1-related condition. Last evaluated: 2022-10-14. Review status: no assertion criteria provided. Collection method: clinical testing. Allele origin: germline.
Comment: This variant is classified as likely benign based on ACMG/AMP sequence variant interpretation guidelines (Richards et al. 2015 PMID: 25741868, with internal and published modifications).

NM_138694.4(PKHD1):c.7479A>G (p.Gln2493=)

Gene: PKHD1 (PKHD1 ciliary IPT domain containing fibrocystin/polyductin; minus strand). Cytogenetic location: 6p12.2.
Variant type: single nucleotide variant.
Coding change: c.7479A>G on transcript NM_138694.4 (MANE Select); coding-DNA position 7479, A replaced by G.
Protein change: p.Gln2493=; no amino-acid change (glutamine 2493 retained).
Molecular consequence: synonymous variant.
Genome position (GRCh38, 1-based): chr6:51,870,511, T>C on the plus strand (A>G on the coding strand, the complement: PKHD1 is on the minus strand). VCF-style: chr6-51870511-T-C. GRCh37 (hg19) VCF-style: chr6-51735309-T-C.
Other names: c.7479A>G, p.Gln2493= (NM_170724.3).
Identifiers: ClinVar variation 3032302 (VCV003032302.2), dbSNP rs750406714, ClinGen allele CA3851925.